The following is an entry in ClinVar:

ClinVar aggregate classification (germline): Conflicting classifications of pathogenicity. Review status: criteria provided, conflicting classifications (1 of 4 stars). 6 submissions from 6 submitters: Uncertain significance (1); Likely benign (2). 3 of the submissions do not count toward it. Last evaluated 2026-01-13.

Conditions:
Familial hemophagocytic lymphohistiocytosis 3 (FHL3). Also called: UNC13D-Related Familial Hemophagocytic Lymphohistiocytosis (UNC13D-fHLH). Identifiers: Orphanet 540, MedGen C1837174, MONDO:0012146, OMIM 608898.
UNC13D-related disorder. Also called: UNC13D-related condition.

Allele frequency attached by ClinVar (database versions not stated): ESP Exome Variant Server 0.00023; TOPMed 0.00027; gnomAD 0.00029; 1000 Genomes Project 30x 0.00031; 1000 Genomes Project 0.00040; ExAC 0.00048.

Submissions (6):

Labcorp Genetics (formerly Invitae), Labcorp
Classification: Likely benign for Familial hemophagocytic lymphohistiocytosis 3. Last evaluated: 2026-01-13. Review status: criteria provided, single submitter. Criteria: Invitae Variant Classification Sherloc (09022015). Collection method: clinical testing. Allele origin: germline.

Blueprint Genetics
Classification: Likely benign. Last evaluated: 2024-10-25. Review status: criteria provided, single submitter. Criteria: ACMG Guidelines, 2015. Collection method: clinical testing. Allele origin: germline.

Illumina Laboratory Services, Illumina
Classification: Uncertain significance for Familial hemophagocytic lymphohistiocytosis 3. Last evaluated: 2018-01-13. Review status: criteria provided, single submitter. Criteria: ICSL Variant Classification Criteria 13 December 2019. Collection method: clinical testing. Allele origin: germline.

PreventionGenetics, part of Exact Sciences
Classification: Likely benign for UNC13D-related condition. Last evaluated: 2019-10-16. Review status: no assertion criteria provided. Collection method: clinical testing. Allele origin: germline. Not counted in ClinVar's aggregate classification.
Comment: This variant is classified as likely benign based on ACMG/AMP sequence variant interpretation guidelines (Richards et al. 2015 PMID: 25741868, with internal and published modifications).

Clinical Genetics DNA and cytogenetics Diagnostics Lab, Erasmus MC, Erasmus Medical Center
Classification: Likely benign. Review status: no assertion criteria provided. Collection method: clinical testing. Allele origin: germline. Affected: yes. Study: VKGL Data-share Consensus. Not counted in ClinVar's aggregate classification.

Genome Diagnostics Laboratory, University Medical Center Utrecht
Classification: Likely benign. Review status: no assertion criteria provided. Collection method: clinical testing. Allele origin: germline. Affected: yes. Study: VKGL Data-share Consensus. Not counted in ClinVar's aggregate classification.

NM_199242.3(UNC13D):c.2830+7G>A

Genes: UNC13D (unc-13 homolog D; minus strand), LOC112533672 (Sharpr-MPRA regulatory region 1193; plus strand). Cytogenetic location: 17q25.1.
Variant type: single nucleotide variant.
Coding change: c.2830+7G>A on transcript NM_199242.3 (MANE Select); 7 bases into the intron after coding-DNA position 2830, G replaced by A.
Molecular consequence: intron variant.
Genome position (GRCh38, 1-based): chr17:75,830,355, C>T on the plus strand (G>A on the coding strand, the complement: UNC13D is on the minus strand). VCF-style: chr17-75830355-C-T. GRCh37 (hg19) VCF-style: chr17-73826436-C-T.
Identifiers: ClinVar variation 325246 (VCV000325246.21), dbSNP rs201023196, ClinGen allele CA8772378.